The following is an entry in ClinVar:

NM_177438.3(DICER1):c.554C>T (p.Pro185Leu)

Gene: DICER1 (dicer 1, ribonuclease III; minus strand). Cytogenetic location: 14q32.13.
Variant type: single nucleotide variant.
Coding change: c.554C>T on transcript NM_177438.3 (MANE Select); coding-DNA position 554, C replaced by T.
Protein change: p.Pro185Leu; replaces proline 185 with leucine.
Molecular consequence: missense variant.
Genome position (GRCh38, 1-based): chr14:95,130,077, G>A on the plus strand (C>T on the coding strand, the complement: DICER1 is on the minus strand). VCF-style: chr14-95130077-G-A. GRCh37 (hg19) VCF-style: chr14-95596414-G-A.
Other names: c.554C>T, p.Pro185Leu (NM_001195573.1, NM_001271282.3, NM_001291628.2 and 1 more transcripts); short protein forms P185L.
Identifiers: ClinVar variation 1005816 (VCV001005816.10), dbSNP rs1170562259, ClinGen allele CA390888365.

ClinVar aggregate classification (germline): Uncertain significance (1 of 4 stars; one submission).

Conditions:
DICER1-related tumor predisposition. Also called: DICER1 syndrome; DICER1-related pleuropulmonary blastoma cancer predisposition syndrome. Identifiers: Orphanet 284343, MedGen C3839822, MONDO:0100216.

Submission:

Labcorp Genetics (formerly Invitae), Labcorp
Classification: Uncertain significance for DICER1-related tumor predisposition. Last evaluated: 2020-08-04. Review status: criteria provided, single submitter. Criteria: Invitae Variant Classification Sherloc (09022015). Collection method: clinical testing. Allele origin: germline.
Comment: In summary, the available evidence is currently insufficient to determine the role of this variant in disease. Therefore, it has been classified as a Variant of Uncertain Significance. Algorithms developed to predict the effect of missense changes on protein structure and function (SIFT, PolyPhen-2, Align-GVGD) all suggest that this variant is likely to be tolerated, but these predictions have not been confirmed by published functional studies and their clinical significance is uncertain. This variant has not been reported in the literature in individuals with DICER1-related conditions. This variant is not present in population databases (ExAC no frequency). This sequence change replaces proline with leucine at codon 185 of the DICER1 protein (p.Pro185Leu). The proline residue is highly conserved and there is a moderate physicochemical difference between proline and leucine.